The following is an entry in ClinVar:

ClinVar aggregate classification (germline): Conflicting classifications of pathogenicity. Review status: criteria provided, conflicting classifications (1 of 4 stars). 2 submissions from 2 submitters: Uncertain significance (1); Benign (1). Last evaluated 2025-01-27.

Allele frequency attached by ClinVar (database versions not stated): gnomAD 0.00009 and 0.00012; gnomAD exomes 0.00014 and 0.00035; TOPMed 0.00022; ExAC 0.00029; 1000 Genomes Project 30x 0.00094; 1000 Genomes Project 0.00100.

Submissions (2):

Labcorp Genetics (formerly Invitae), Labcorp
Classification: Uncertain significance. Last evaluated: 2025-01-27. Review status: criteria provided, single submitter. Criteria: Invitae Variant Classification Sherloc (09022015). Collection method: clinical testing. Allele origin: germline.
Comment: This sequence change replaces serine, which is neutral and polar, with asparagine, which is neutral and polar, at codon 579 of the MTPAP protein (p.Ser579Asn). This variant is present in population databases (rs148562969, gnomAD 0.4%). This missense change has been observed in individual(s) with MTPAP-related conditions (PMID: 32369273). ClinVar contains an entry for this variant (Variation ID: 1429438). An algorithm developed to predict the effect of missense changes on protein structure and function outputs the following: PolyPhen-2: "Benign". The asparagine amino acid residue is found in multiple mammalian species, which suggests that this missense change does not adversely affect protein function. In summary, the available evidence is currently insufficient to determine the role of this variant in disease. Therefore, it has been classified as a Variant of Uncertain Significance.

Athena Diagnostics
Classification: Benign. Last evaluated: 2023-12-15. Review status: criteria provided, single submitter. Criteria: Athena Diagnostics Criteria. Collection method: clinical testing. Allele origin: unknown.

Literature cited by the submitters: PubMed 32369273 (cited by Labcorp Genetics (formerly Invitae), Labcorp and Athena Diagnostics).

NM_018109.4(MTPAP):c.1736G>A (p.Ser579Asn)

Gene: MTPAP (mitochondrial poly(A) polymerase; minus strand). Cytogenetic location: 10p11.23.
Variant type: single nucleotide variant.
Coding change: c.1736G>A on transcript NM_018109.4 (MANE Select); coding-DNA position 1736, G replaced by A.
Protein change: p.Ser579Asn; replaces serine 579 with asparagine.
Molecular consequence: missense variant.
Genome position (GRCh38, 1-based): chr10:30,313,622, C>T on the plus strand (G>A on the coding strand, the complement: MTPAP is on the minus strand). VCF-style: chr10-30313622-C-T. GRCh37 (hg19) VCF-style: chr10-30602551-C-T.
Other names: c.1736G>A (NM_018109.3); short protein forms S579N.
Identifiers: ClinVar variation 1429438 (VCV001429438.5), dbSNP rs148562969, ClinGen allele CA5458897.